The following is an entry in ClinVar:

ClinVar aggregate classification (germline): Likely pathogenic. Review status: reviewed by expert panel (3 of 4 stars). 2 submissions from 2 submitters: Likely pathogenic (1). 1 of the submissions does not count toward it. Last evaluated 2025-04-02.

Conditions:
von Willebrand disease type 2 (VWD2). Also called: VON WILLEBRAND DISEASE, TYPE II; VON WILLEBRAND DISEASE, TYPE 2A/IIE; VON WILLEBRAND DISEASE, TYPE 2CB; VWD, TYPE 2. Identifiers: Orphanet 166081, Orphanet 903, MedGen C1264040, MONDO:0013304, OMIM 613554.
Von Willebrand disease type 2A. Identifiers: Orphanet 166084, MedGen C1282968, MONDO:0015628. Inheritance: Autosomal recessive or autosomal dominant.

Submissions (2):

ClinGen von Willebrand Disease Variant Curation Expert Panel, ClinGen
Classification: Likely pathogenic for Von Willebrand disease type 2A. Last evaluated: 2025-04-02. Review status: reviewed by expert panel. Criteria: ClinGen VWD 2A B M Rules. Collection method: curation. Allele origin: germline. Inheritance: Autosomal dominant inheritance.
Comment: The NM_000552.5:c.3569G>T variant in VWF is a missense variant predicted to cause substitution of cysteine by phenylalanine at amino acid 1190. At least 1 patient with this variant displayed excessive mucocutaneous bleeding (evidenced by inclusion in a VWD diagnosed cohort) as well as laboratory phenotypes of very low VWF activity VWF:GP1b and VWF:Collagen binding assay, low activity/VWF:Ag ratio, and loss of high molecular weight multimers, which together are highly specific for VWD type 2A. (PP4_moderate, PMID 36299619). Another missense variant NM_000552.5:c.3568T>C (p.Cys1190Arg) in the same codon has been classified as likely pathogenic for VWD type 2A by the ClinGen VWD VCEP (PM5). The computational predictor REVEL gives a score of 0.955, which is above the ClinGen VWD VCEP threshold of >0.644 and predicts a damaging effect on VWF function (PP3). The computational predictor REVEL gives a score of 0.955, which is above the ClinGen VWD VCEP threshold of >0.644 and predicts a damaging effect on VWF function (PP3). In summary, this variant meets the criteria to be classified as likely pathogenic for autosomal dominant VWD type 2A based on the ACMG/AMP criteria applied, as specified by the ClinGen VWD VCEP: PS4_Supporting, PM5_Supporting, PP3, PM2_Supporting. (ClinGen von Willebrand Disease Expert Panel Specifications to the ACMG/AMP Variant Interpretation Guidelines for VWF Version 1.0.0; date of approval)

ISTH-SSC Genomics in Thrombosis and Hemostasis, KU Leuven, Center for Molecular and Vascular Biology
Classification: Likely pathogenic for von Willebrand disease type 2. Review status: criteria provided, single submitter. Criteria: ACMG Guidelines, 2015. Collection method: clinical testing. Allele origin: germline. Affected: yes. Observed: 1 heterozygote. Not counted in ClinVar's aggregate classification.
Comment: Submitted to the GoldVariant database by Kathleen Freson, Center for Molecular and Vascular Biology

NM_000552.5(VWF):c.3569G>T (p.Cys1190Phe)

Gene: VWF (von Willebrand factor; minus strand). Cytogenetic location: 12p13.31.
Variant type: single nucleotide variant.
Coding change: c.3569G>T on transcript NM_000552.5 (MANE Select); coding-DNA position 3569, G replaced by T.
Protein change: p.Cys1190Phe; replaces cysteine 1190 with phenylalanine.
Molecular consequence: missense variant.
Genome position (GRCh38, 1-based): chr12:6,022,005, C>A on the plus strand (G>T on the coding strand, the complement: VWF is on the minus strand). VCF-style: chr12-6022005-C-A. GRCh37 (hg19) VCF-style: chr12-6131171-C-A.
Other names: NM_000552.5(VWF):c.3569G>T; p.Cys1190Phe; short protein forms C1190F.
Identifiers: ClinVar variation 2572159 (VCV002572159.2), dbSNP rs1591865026, ClinGen allele CA383510973.